The following is an entry in ClinVar:

ClinVar aggregate classification (germline): Conflicting classifications of pathogenicity. Review status: criteria provided, conflicting classifications (1 of 4 stars). 2 submissions from 2 submitters: Likely pathogenic (1); Uncertain significance (1). Last evaluated 2025-05-29.

Conditions:
Joubert syndrome 33. Identifiers: MedGen C4540389, MONDO:0033311, OMIM 617767.

gnomAD v4.1: 5 of 1,613,046 alleles (0.00031%); highest among the groups gnomAD compares: East Asian, 0.0045%; no homozygotes.

Submissions (2):

Variantyx, Inc.
Classification: Likely pathogenic for Joubert syndrome 33. Last evaluated: 2025-05-29. Review status: criteria provided, single submitter. Criteria: Variantyx Assertion Criteria 2022. Collection method: clinical testing. Allele origin: germline. Inheritance: Autosomal recessive inheritance. Affected: no.
Comment: This is a nonsense variant in the PIBF1 gene (OMIM: 607532). Pathogenic variants in this gene have been associated with autosomal recessive Joubert syndrome 33. This variant introduces a premature termination codon in exon 10 out of 18 and is expected to result in loss of function, which is an expected disease mechanism for PIBF1 in this disorder (PVS1) (PMID: 30858804). This variant has a 0.0050% maximum allele frequency in non-founder control populations (PM2) and it has not been reported in individuals with PIBF1-related disorders in the databases available for review. Based on the current evidence, this variant is classified as likely pathogenic for autosomal recessive Joubert syndrome 33.

GeneDx
Classification: Uncertain significance. Last evaluated: 2025-03-07. Review status: criteria provided, single submitter. Criteria: GeneDx Variant Classification Process June 2021. Collection method: clinical testing. Allele origin: germline. Affected: yes.
Comment: Not observed at significant frequency in large population cohorts (gnomAD); Nonsense variant predicted to result in protein truncation or nonsense mediated decay in a gene or region of a gene for which loss of function is not a well-established mechanism of disease; Has not been previously published as pathogenic or benign to our knowledge

Literature cited by the submitters: PubMed 30858804 (cited by Variantyx, Inc.).

NM_006346.4(PIBF1):c.1267C>T (p.Arg423Ter)

Gene: PIBF1 (progesterone immunomodulatory binding factor 1; plus strand). Cytogenetic location: 13q22.1.
Variant type: single nucleotide variant.
Coding change: c.1267C>T on transcript NM_006346.4 (MANE Select); coding-DNA position 1267, C replaced by T.
Protein change: p.Arg423Ter; replaces arginine 423 with a stop codon.
Molecular consequence: nonsense. On other transcripts: non-coding transcript variant (2).
Genome position (GRCh38, 1-based): chr13:72,854,100, C>T. VCF-style: chr13-72854100-C-T. GRCh37 (hg19) VCF-style: chr13-73428238-C-T.
Other names: c.1354C>T, p.Arg452Ter (NM_001349655.2); short protein forms R423*, R452*.
Identifiers: ClinVar variation 4082781 (VCV004082781.2).